The following is an entry in ClinVar:

ClinVar aggregate classification (germline): Uncertain significance (1 of 4 stars; one submission).

Submission:

Labcorp Genetics (formerly Invitae), Labcorp
Classification: Uncertain significance. Last evaluated: 2022-03-14. Review status: criteria provided, single submitter. Criteria: Invitae Variant Classification Sherloc (09022015). Collection method: clinical testing. Allele origin: germline.
Comment: Algorithms developed to predict the effect of missense changes on protein structure and function (SIFT, PolyPhen-2, Align-GVGD) all suggest that this variant is likely to be disruptive. This variant has not been reported in the literature in individuals affected with CDC42BPB-related conditions. This variant is not present in population databases (gnomAD no frequency). This sequence change replaces glutamic acid, which is acidic and polar, with glutamine, which is neutral and polar, at codon 1562 of the CDC42BPB protein (p.Glu1562Gln). In summary, the available evidence is currently insufficient to determine the role of this variant in disease. Therefore, it has been classified as a Variant of Uncertain Significance.

NM_006035.4(CDC42BPB):c.4684G>C (p.Glu1562Gln)

Gene: CDC42BPB (CDC42 binding protein kinase beta; minus strand). Cytogenetic location: 14q32.32.
Variant type: single nucleotide variant.
Coding change: c.4684G>C on transcript NM_006035.4 (MANE Select); coding-DNA position 4684, G replaced by C.
Protein change: p.Glu1562Gln; replaces glutamic acid 1562 with glutamine.
Molecular consequence: missense variant.
Genome position (GRCh38, 1-based): chr14:102,939,855, C>G on the plus strand (G>C on the coding strand, the complement: CDC42BPB is on the minus strand). VCF-style: chr14-102939855-C-G. GRCh37 (hg19) VCF-style: chr14-103406192-C-G.
Other names: c.4606G>C, p.Glu1536Gln (NM_001411054.1); short protein forms E1562Q, E1536Q.
Identifiers: ClinVar variation 2112242 (VCV002112242.4), dbSNP rs1891809128, ClinGen allele CA391073032.
Genomic context (GRCh38, chr14:102,939,855, plus strand): 5'-GAGGCCCAGCAGGCCCCGTGAGGCCCCGCTCCTACCGCCTCTGCTGCAGTCTCTCTTCCT[C>G]TGGGACCTTGAAGACGAACCGCCTTTTGCTCCTGGTGCGCAGCATCTGCTTCTTGCTGTT-3'
Protein context (NP_006026.3, residues 1552-1572): SKRRFVFKVP[Glu1562Gln]EERLQQRREM